The following is an entry in ClinVar:

NM_153460.4(IL17RC):c.769C>T (p.Pro257Ser)

Gene: IL17RC (interleukin 17 receptor C; plus strand). Cytogenetic location: 3p25.3.
Variant type: single nucleotide variant.
Coding change: c.769C>T on transcript NM_153460.4 (MANE Select); coding-DNA position 769, C replaced by T.
Protein change: p.Pro257Ser; replaces proline 257 with serine.
Molecular consequence: missense variant. On other transcripts: non-coding transcript variant (1).
Genome position (GRCh38, 1-based): chr3:9,924,238, C>T. VCF-style: chr3-9924238-C-T. GRCh37 (hg19) VCF-style: chr3-9965922-C-T.
Other names: c.982C>T, p.Pro328Ser (NM_153461.4); c.769C>T, p.Pro257Ser (NM_001203263.2, NM_001203264.2); c.724C>T, p.Pro242Ser (NM_001203265.2, NM_001367280.1, NM_001410711.1 and 1 more transcripts); c.730C>T, p.Pro244Ser (NM_001367278.1); c.649C>T, p.Pro217Ser (NM_001367279.1); short protein forms P217S, P244S, P242S, P257S, P328S.
Identifiers: ClinVar variation 3728410 (VCV003728410.2).
Genomic context (GRCh38, chr3:9,924,238, plus strand): 5'-CTCCTCCTCTTCCTCCTTATCTTCTCCAACCTCCTTCCTTTATTTGTTCCACAGACTGGA[C>T]CGCAGATCATTACCTTGAACCACACAGACCTGGTTCCCTGCCTCTGTATTCAGGTAGGAG-3'
Protein context (NP_703190.2, residues 247-267): KPRWHKNLTG[Pro257Ser]QIITLNHTDL

ClinVar aggregate classification (germline): Uncertain significance (1 of 4 stars; one submission).

Conditions:
Candidiasis, familial, 9 (CANDF9). Identifiers: Orphanet 1334, MedGen C4225324, MONDO:0014642, OMIM 616445.

Submission:

Labcorp Genetics (formerly Invitae), Labcorp
Classification: Uncertain significance for Candidiasis, familial, 9. Last evaluated: 2025-12-08. Review status: criteria provided, single submitter. Criteria: Invitae Variant Classification Sherloc (09022015). Collection method: clinical testing. Allele origin: germline.
Comment: This sequence change replaces proline, which is neutral and non-polar, with serine, which is neutral and polar, at codon 328 of the IL17RC protein (p.Pro328Ser). This variant is present in population databases (no rsID available, gnomAD 0.007%). This variant has not been reported in the literature in individuals affected with IL17RC-related conditions. ClinVar contains an entry for this variant (Variation ID: 3728410). An algorithm developed to predict the effect of missense changes on protein structure and function (PolyPhen-2) suggests that this variant is likely to be tolerated. In summary, the available evidence is currently insufficient to determine the role of this variant in disease. Therefore, it has been classified as a Variant of Uncertain Significance.